The following is an entry in ClinVar:

ClinVar aggregate classification (germline): Likely pathogenic (1 of 4 stars; one submission).

Conditions:
Developmental and epileptic encephalopathy, 56. Also called: EPILEPTIC ENCEPHALOPATHY, EARLY INFANTILE, 56. Identifiers: MedGen C4540034, MONDO:0033365, OMIM 617665.

Submission:

Baylor Genetics
Classification: Likely pathogenic for Developmental and epileptic encephalopathy, 56. Last evaluated: 2019-06-28. Review status: criteria provided, single submitter. Criteria: ACMG Guidelines, 2015. Collection method: clinical testing. Allele origin: de novo. Affected: yes.
Comment: This variant was determined to be likely pathogenic according to ACMG Guidelines, 2015 [PMID:25741868].

NM_012479.4(YWHAG):c.683A>T (p.Asp228Val)

Gene: YWHAG (tyrosine 3-monooxygenase/tryptophan 5-monooxygenase activation protein gamma; minus strand). Cytogenetic location: 7q11.23.
Variant type: single nucleotide variant.
Coding change: c.683A>T on transcript NM_012479.4 (MANE Select); coding-DNA position 683, A replaced by T.
Protein change: p.Asp228Val; replaces aspartic acid 228 with valine.
Molecular consequence: missense variant.
Genome position (GRCh38, 1-based): chr7:76,329,638, T>A on the plus strand (A>T on the coding strand, the complement: YWHAG is on the minus strand). VCF-style: chr7-76329638-T-A. GRCh37 (hg19) VCF-style: chr7-75958955-T-A.
Other names: short protein forms D228V.
Identifiers: ClinVar variation 1027791 (VCV001027791.1), dbSNP rs1803513587, ClinGen allele CA367776081.
Genomic context (GRCh38, chr7:76,329,638, plus strand): 5'-TAATTGTTGCCTTCGCCGCCATCGTCGTCCTGCTGGTCGCTCGTCCAGAGCGTGAGGTTG[T>A]CGCGGAGGAGCTGCATGATGAGCGTGGAGTCCTTGTAGGAGTCCTCGTTGAGGGTGTCAA-3'
Protein context (NP_036611.2, residues 218-238): DSTLIMQLLR[Asp228Val]NLTLWTSDQQ